The following is an entry in ClinVar:

ClinVar aggregate classification (germline): Uncertain significance (1 of 4 stars; one submission).

Submission:

Labcorp Genetics (formerly Invitae), Labcorp
Classification: Uncertain significance. Last evaluated: 2025-04-08. Review status: criteria provided, single submitter. Criteria: Invitae Variant Classification Sherloc (09022015). Collection method: clinical testing. Allele origin: germline.
Comment: This sequence change replaces glutamine, which is neutral and polar, with proline, which is neutral and non-polar, at codon 1328 of the MYO7A protein (p.Gln1328Pro). This variant is not present in population databases (gnomAD no frequency). This variant has not been reported in the literature in individuals affected with MYO7A-related conditions. Invitae Evidence Modeling of protein sequence and biophysical properties (such as structural, functional, and spatial information, amino acid conservation, physicochemical variation, residue mobility, and thermodynamic stability) has been performed for this missense variant. However, the output from this modeling did not meet the statistical confidence thresholds required to predict the impact of this variant on MYO7A protein function. In summary, the available evidence is currently insufficient to determine the role of this variant in disease. Therefore, it has been classified as a Variant of Uncertain Significance.

NM_000260.4(MYO7A):c.3983A>C (p.Gln1328Pro)

Gene: MYO7A (myosin VIIA; plus strand). Cytogenetic location: 11q13.5.
Variant type: single nucleotide variant.
Coding change: c.3983A>C on transcript NM_000260.4 (MANE Select); coding-DNA position 3983, A replaced by C.
Protein change: p.Gln1328Pro; replaces glutamine 1328 with proline.
Molecular consequence: missense variant.
Genome position (GRCh38, 1-based): chr11:77,192,109, A>C. VCF-style: chr11-77192109-A-C. GRCh37 (hg19) VCF-style: chr11-76903154-A-C.
Other names: c.3983A>C, p.Gln1328Pro (NM_001127180.2); c.3950A>C, p.Gln1317Pro (NM_001369365.1); short protein forms Q1317P, Q1328P.
Identifiers: ClinVar variation 4694540 (VCV004694540.1).
Genomic context (GRCh38, chr11:77,192,109, plus strand): 5'-AGGTGTCCTCCCTGGGCAGCGGCAGTGACCACGTCATGGACGCCATCTCCCAGTGCGAGC[A>C]GTACGCCAAGGAGCAGGGCGCCCAGGAGCGCAACGCCCCCTGGAGGCTCTTCTTCCGCAA-3'
Protein context (NP_000251.3, residues 1318-1338): HVMDAISQCE[Gln1328Pro]YAKEQGAQER